The following is an entry in ClinVar:

NM_001171613.2(PREPL):c.-49+1806C>A

Gene: PREPL (prolyl endopeptidase like; minus strand). Cytogenetic location: 2p21.
Variant type: single nucleotide variant.
Coding change: c.-49+1806C>A on transcript NM_001171613.2 (MANE Select); 1806 bases into the intron after 49 bases upstream of the start codon, C replaced by A.
Molecular consequence: intron variant. On other transcripts: missense variant (7).
Genome position (GRCh38, 1-based): chr2:44,359,574, G>T on the plus strand (C>A on the coding strand, the complement: PREPL is on the minus strand). VCF-style: chr2-44359574-G-T. GRCh37 (hg19) VCF-style: chr2-44586713-G-T.
Other names: c.142C>A, p.Leu48Ile (NM_006036.4, NM_001042385.2, NM_001042386.2 and 4 more transcripts); c.-49+1950C>A (NM_001171617.1); c.-49+1843C>A (NM_001374277.1); short protein forms L48I.
Identifiers: ClinVar variation 664762 (VCV000664762.7), dbSNP rs749323802, ClinGen allele CA346694886.
Genomic context (GRCh38, chr2:44,359,574, plus strand): 5'-GACTTGGGATGTTTCTTGCTAACTCTGATATCTTGGGTTTATTCTGAAGACACTTGGTTA[G>T]GTGATATTTTTTCAATTTTATTCTATTGTAACAATGATCAGCGAAGTTATAGTGATTCAA-3'

ClinVar aggregate classification (germline): Uncertain significance (1 of 4 stars; one submission).

Conditions:
Myasthenic syndrome, congenital, 22 (CMS22). Also called: PREPL DEFICIENCY. Identifiers: MedGen C4479088, MONDO:0044299, OMIM 616224.

Allele frequency attached by ClinVar (database versions not stated): TOPMed 0.00001.
gnomAD v4.1: 3 of 1,613,026 alleles (0.00019%); highest among the groups gnomAD compares: Non-Finnish European, 0.00025%; no homozygotes.

Submission:

Labcorp Genetics (formerly Invitae), Labcorp
Classification: Uncertain significance for Myasthenic syndrome, congenital, 22. Last evaluated: 2018-11-13. Review status: criteria provided, single submitter. Criteria: Invitae Variant Classification Sherloc (09022015). Collection method: clinical testing. Allele origin: germline.
Comment: This variant is not present in population databases (ExAC no frequency). This sequence change replaces leucine with isoleucine at codon 48 of the PREPL protein (p.Leu48Ile). The leucine residue is moderately conserved and there is a small physicochemical difference between leucine and isoleucine. This variant has not been reported in the literature in individuals with PREPL-related disease. In summary, the available evidence is currently insufficient to determine the role of this variant in disease. Therefore, it has been classified as a Variant of Uncertain Significance. Algorithms developed to predict the effect of missense changes on protein structure and function (SIFT, PolyPhen-2, Align-GVGD) all suggest that this variant is likely to be tolerated, but these predictions have not been confirmed by published functional studies and their clinical significance is uncertain.